The following is an entry in ClinVar:

NM_032801.5(JAM3):c.367C>T (p.Arg123Cys)

Gene: JAM3 (junctional adhesion molecule 3; plus strand). Cytogenetic location: 11q25.
Variant type: single nucleotide variant.
Coding change: c.367C>T on transcript NM_032801.5 (MANE Select); coding-DNA position 367, C replaced by T.
Protein change: p.Arg123Cys; replaces arginine 123 with cysteine.
Molecular consequence: missense variant. On other transcripts: intron variant (1).
Genome position (GRCh38, 1-based): chr11:134,144,351, C>T. VCF-style: chr11-134144351-C-T. GRCh37 (hg19) VCF-style: chr11-134014246-C-T.
Other names: c.257-441C>T (NM_001205329.2); short protein forms R123C.
Identifiers: ClinVar variation 2413611 (VCV002413611.6), dbSNP rs374174597, ClinGen allele CA6370010.
Genomic context (GRCh38, chr11:134,144,351, plus strand): 5'-TGGAATGTGACACGGAGAGACTCAGCCCTTTATCGCTGTGAGGTCGTTGCTCGAAATGAC[C>T]GCAAGGAAATTGATGAGATTGTGATCGAGTTAACTGTGCAAGGTAGGAGCTCATGCGAAG-3'
Protein context (NP_116190.3, residues 113-133): YRCEVVARND[Arg123Cys]KEIDEIVIEL

ClinVar aggregate classification (germline): Uncertain significance. Review status: criteria provided, multiple submitters, no conflicts (2 of 4 stars). 2 submissions from 2 submitters: Uncertain significance (2). Last evaluated 2025-10-13.

Conditions:
Inborn genetic diseases. Identifiers: MedGen C0950123, MeSH D030342.

Allele frequency attached by ClinVar (database versions not stated): ESP Exome Variant Server 0.00008.
gnomAD v4.1: 48 of 1,614,034 alleles (0.003%); highest among the groups gnomAD compares: Middle Eastern, 0.016%; no homozygotes.

Submissions (2):

Labcorp Genetics (formerly Invitae), Labcorp
Classification: Uncertain significance. Last evaluated: 2025-10-13. Review status: criteria provided, single submitter. Criteria: Invitae Variant Classification Sherloc (09022015). Collection method: clinical testing. Allele origin: germline.
Comment: This sequence change replaces arginine, which is basic and polar, with cysteine, which is neutral and slightly polar, at codon 123 of the JAM3 protein (p.Arg123Cys). This variant is present in population databases (rs374174597, gnomAD 0.005%). This variant has not been reported in the literature in individuals affected with JAM3-related conditions. ClinVar contains an entry for this variant (Variation ID: 2413611). An algorithm developed to predict the effect of missense changes on protein structure and function (PolyPhen-2) suggests that this variant is likely to be disruptive. In summary, the available evidence is currently insufficient to determine the role of this variant in disease. Therefore, it has been classified as a Variant of Uncertain Significance.

Ambry Genetics
Classification: Uncertain significance for Inborn genetic diseases. Last evaluated: 2025-07-03. Review status: criteria provided, single submitter. Criteria: Ambry Variant Classification Scheme 2023. Collection method: clinical testing. Allele origin: germline.